The following is an entry in ClinVar:

NM_001365088.1(SLC12A6):c.3072G>A (p.Met1024Ile)

Gene: SLC12A6 (solute carrier family 12 member 6; minus strand). Cytogenetic location: 15q14.
Variant type: single nucleotide variant.
Coding change: c.3072G>A on transcript NM_001365088.1 (MANE Select); coding-DNA position 3072, G replaced by A.
Protein change: p.Met1024Ile; replaces methionine 1024 with isoleucine.
Molecular consequence: missense variant.
Genome position (GRCh38, 1-based): chr15:34,236,170, C>T on the plus strand (G>A on the coding strand, the complement: SLC12A6 is on the minus strand). VCF-style: chr15-34236170-C-T. GRCh37 (hg19) VCF-style: chr15-34528371-C-T.
Other names: c.2895G>A, p.Met965Ile (NM_001042494.2, NM_001042495.2); c.3045G>A, p.Met1015Ile (NM_001042496.2); c.3027G>A, p.Met1009Ile (NM_001042497.2); c.2919G>A, p.Met973Ile (NM_005135.2); c.3072G>A, p.Met1024Ile (NM_133647.2); short protein forms M1015I, M965I, M1009I, M973I, M1024I.
Identifiers: ClinVar variation 2696508 (VCV002696508.3), dbSNP rs1891249756, ClinGen allele CA391617778.

ClinVar aggregate classification (germline): Uncertain significance (1 of 4 stars; one submission).

Submission:

Labcorp Genetics (formerly Invitae), Labcorp
Classification: Uncertain significance. Last evaluated: 2023-11-21. Review status: criteria provided, single submitter. Criteria: Invitae Variant Classification Sherloc (09022015). Collection method: clinical testing. Allele origin: germline.
Comment: This sequence change replaces methionine, which is neutral and non-polar, with isoleucine, which is neutral and non-polar, at codon 1024 of the SLC12A6 protein (p.Met1024Ile). This variant is not present in population databases (gnomAD no frequency). This variant has not been reported in the literature in individuals affected with SLC12A6-related conditions. Advanced modeling of protein sequence and biophysical properties (such as structural, functional, and spatial information, amino acid conservation, physicochemical variation, residue mobility, and thermodynamic stability) performed at Invitae indicates that this missense variant is not expected to disrupt SLC12A6 protein function with a negative predictive value of 95%. In summary, the available evidence is currently insufficient to determine the role of this variant in disease. Therefore, it has been classified as a Variant of Uncertain Significance.